The following is an entry in ClinVar:

NM_001042492.3(NF1):c.1746C>G (p.Cys582Trp)

Gene: NF1 (neurofibromin 1; plus strand). Cytogenetic location: 17q11.2.
Variant type: single nucleotide variant.
Coding change: c.1746C>G on transcript NM_001042492.3 (MANE Select); coding-DNA position 1746, C replaced by G.
Protein change: p.Cys582Trp; replaces cysteine 582 with tryptophan.
Molecular consequence: missense variant.
Genome position (GRCh38, 1-based): chr17:31,223,468, C>G. VCF-style: chr17-31223468-C-G. GRCh37 (hg19) VCF-style: chr17-29550486-C-G.
Other names: c.1746C>G, p.Cys582Trp (NM_000267.4); short protein forms C582W.
Identifiers: ClinVar variation 1006747 (VCV001006747.5), dbSNP rs2066962353, ClinGen allele CA399004091.
Genomic context (GRCh38, chr17:31,223,468, plus strand): 5'-ATGATGCTAGTAACAATGAACTTTATGTTACTGCAGCTCACAAATGCTTTTTTACATCTG[C>G]AAGAAATTAACTAGTCATCAAATGCTTAGTAGCACAGAAATTCTCAAGTGGTTGCGGGAA-3'
Protein context (NP_001035957.1, residues 572-592): EISSQMLFYI[Cys582Trp]KKLTSHQMLS

ClinVar aggregate classification (germline): Uncertain significance (1 of 4 stars; one submission).

Conditions:
Neurofibromatosis, type 1 (NF1). Also called: NEUROFIBROMATOSIS, TYPE I, SOMATIC; Peripheral type neurofibromatosis; VON RECKLINGHAUSEN DISEASE; Neurofibromatosis, type I. Identifiers: Orphanet 636, MedGen C0027831, MONDO:0018975, OMIM 162200. Disease mechanism: loss of function.

Submission:

Labcorp Genetics (formerly Invitae), Labcorp
Classification: Uncertain significance for Neurofibromatosis, type 1. Last evaluated: 2024-04-05. Review status: criteria provided, single submitter. Criteria: Invitae Variant Classification Sherloc (09022015). Collection method: clinical testing. Allele origin: germline.
Comment: This sequence change replaces cysteine, which is neutral and slightly polar, with tryptophan, which is neutral and slightly polar, at codon 582 of the NF1 protein (p.Cys582Trp). This variant is not present in population databases (gnomAD no frequency). This variant has not been reported in the literature in individuals affected with NF1-related conditions. ClinVar contains an entry for this variant (Variation ID: 1006747). Advanced modeling of protein sequence and biophysical properties (such as structural, functional, and spatial information, amino acid conservation, physicochemical variation, residue mobility, and thermodynamic stability) has been performed at Invitae for this missense variant, however the output from this modeling did not meet the statistical confidence thresholds required to predict the impact of this variant on NF1 protein function. In summary, the available evidence is currently insufficient to determine the role of this variant in disease. Therefore, it has been classified as a Variant of Uncertain Significance.